The following is an entry in ClinVar:

NM_001367498.1(CNTNAP5):c.2619C>T (p.Asn873=)

Gene: CNTNAP5 (contactin associated protein family member 5; plus strand). Cytogenetic location: 2q14.3.
Variant type: single nucleotide variant.
Coding change: c.2619C>T on transcript NM_001367498.1 (MANE Select); coding-DNA position 2619, C replaced by T.
Protein change: p.Asn873=; no amino-acid change (asparagine 873 retained).
Molecular consequence: synonymous variant.
Genome position (GRCh38, 1-based): chr2:124,772,884, C>T. VCF-style: chr2-124772884-C-T. GRCh37 (hg19) VCF-style: chr2-125530461-C-T.
Other names: c.2616C>T, p.Asn872= (NM_130773.4).
Identifiers: ClinVar variation 3051191 (VCV003051191.2), dbSNP rs780452798, ClinGen allele CA1856234.
Genomic context (GRCh38, chr2:124,772,884, plus strand): 5'-CGATGTTGGGAATGGTCCTGTGGAGCTTGTAGTCCAGTCTCCTTCTCTTCTGAATGACAA[C>T]CAATGGCACTATGTCCGGGCTGAGAGGAACCTCAAGGAGACCTCCCTGCAGGTGGACAAC-3'
Protein context (NP_001354427.1, residues 863-883): VVQSPSLLND[Asn873=]QWHYVRAERN

ClinVar aggregate classification (germline): Likely benign (0 of 4 stars; one submission).

Conditions:
CNTNAP5-related disorder. Also called: CNTNAP5-related condition.

Allele frequency attached by ClinVar (database versions not stated): gnomAD 0.00007; TOPMed 0.00011; ExAC 0.00017.
gnomAD v4.1: 219 of 1,613,512 alleles (0.014%); highest among the groups gnomAD compares: Admixed American, 0.035%; no homozygotes.

Submission:

PreventionGenetics, part of Exact Sciences
Classification: Likely benign for CNTNAP5-related condition. Last evaluated: 2020-01-24. Review status: no assertion criteria provided. Collection method: clinical testing. Allele origin: germline.
Comment: This variant is classified as likely benign based on ACMG/AMP sequence variant interpretation guidelines (Richards et al. 2015 PMID: 25741868, with internal and published modifications).